The following is an entry in ClinVar:

NM_152618.3(BBS12):c.1267del (p.Ile423fs)

Gene: BBS12 (Bardet-Biedl syndrome 12; plus strand). Cytogenetic location: 4q27.
Variant type: Deletion.
Coding change: c.1267del on transcript NM_152618.3 (MANE Select); coding-DNA position 1267, one base deleted (A; older notation c.1267delA).
Protein change: p.Ile423fs; shifts the reading frame from isoleucine 423.
Molecular consequence: frameshift variant.
Genome position (GRCh38, 1-based): chr4:122,743,159, A deleted; the last of 2 consecutive A bases (chr4:122,743,158-122,743,159); deleting either gives the same sequence. VCF-style (leftmost placement, unchanged base first): chr4-122743157-TA-T. GRCh37 (hg19) VCF-style: chr4-123664312-TA-T.
Other names: c.1267del, p.Ile423fs (NM_001178007.2); short protein forms I423fs.
Identifiers: ClinVar variation 657227 (VCV000657227.5), dbSNP rs1578491135, ClinGen allele CA915943188.

ClinVar aggregate classification (germline): Pathogenic (1 of 4 stars; one submission).

Conditions:
Bardet-Biedl syndrome (BBS). Identifiers: Orphanet 110, MedGen C0752166, MONDO:0015229.

Submission:

Labcorp Genetics (formerly Invitae), Labcorp
Classification: Pathogenic for Bardet-Biedl syndrome. Last evaluated: 2018-09-22. Review status: criteria provided, single submitter. Criteria: Invitae Variant Classification Sherloc (09022015). Collection method: clinical testing. Allele origin: germline.
Comment: This sequence change results in a premature translational stop signal in the BBS12 gene (p.Ile423Leufs*5). While this is not anticipated to result in nonsense mediated decay, it is expected to disrupt the last 288 amino acids of the BBS12 protein. This variant is not present in population databases (ExAC no frequency). This variant has not been reported in the literature in individuals with BBS12-related disease. Experimental studies and prediction algorithms are not available for this variant, and the functional significance of the affected amino acid(s) is currently unknown. This variant disrupts the C-terminus of the BBS12 protein. Other variant(s) that disrupt this region (p.Arg675*) have been determined to be pathogenic (PMID: 20827784, 21642631). This suggests that variants that disrupt this region of the protein are likely to be causative of disease. For these reasons, this variant has been classified as Pathogenic.

Literature cited by the submitters: PubMed 20827784; PubMed 21642631.